The following is an entry in ClinVar:

ClinVar aggregate classification (germline): Benign. Review status: criteria provided, multiple submitters, no conflicts (2 of 4 stars). 2 submissions from 2 submitters: Benign (2). Last evaluated 2018-06-19.

Allele frequency attached by ClinVar (database versions not stated): TOPMed 0.44027; gnomAD 0.45299; gnomAD exomes 0.49865; 1000 Genomes Project 30x 0.45815; 1000 Genomes Project 0.45907.

Submissions (2):

GeneDx
Classification: Benign. Last evaluated: 2018-06-19. Review status: criteria provided, single submitter. Criteria: GeneDx Variant Classification (06012015). Collection method: clinical testing. Allele origin: germline. Affected: yes.
Comment: This variant is considered likely benign or benign based on one or more of the following criteria: it is a conservative change, it occurs at a poorly conserved position in the protein, it is predicted to be benign by multiple in silico algorithms, and/or has population frequency not consistent with disease.

Breakthrough Genomics
Classification: Benign. Review status: criteria provided, single submitter. Criteria: ACMG Guidelines, 2015. Collection method: not provided. Allele origin: germline. Inheritance: Autosomal recessive inheritance. Affected: yes.

NM_005198.4(CHKB):c.-389G>A

Genes: CHKB (choline kinase beta; minus strand), CHKB-DT (CHKB divergent transcript; plus strand), LOC130067884 (ATAC-STARR-seq lymphoblastoid silent region 14002; plus strand). Cytogenetic location: 22q13.33.
Variant type: single nucleotide variant.
Coding change: c.-389G>A on transcript NM_005198.4; 389 bases upstream of the start codon, G replaced by A.
Molecular consequence: non-coding transcript variant (on NR_021492.2).
Genome position (GRCh38, 1-based): chr22:50,583,170, C>T on the plus strand (G>A on the coding strand, the complement: CHKB is on the minus strand). VCF-style: chr22-50583170-C-T. GRCh37 (hg19) VCF-style: chr22-51021599-C-T.
Identifiers: ClinVar variation 668084 (VCV000668084.4), dbSNP rs131756, ClinGen allele CA14947180.